The following is an entry in ClinVar:

ClinVar aggregate classification (germline): Pathogenic (1 of 4 stars; one submission).

Submission:

Labcorp Genetics (formerly Invitae), Labcorp
Classification: Pathogenic. Last evaluated: 2025-01-15. Review status: criteria provided, single submitter. Criteria: Invitae Variant Classification Sherloc (09022015). Collection method: clinical testing. Allele origin: germline.
Comment: This sequence change creates a premature translational stop signal (p.Met206Ilefs*19) in the DRAM2 gene. While this is not anticipated to result in nonsense mediated decay, it is expected to disrupt the last 61 amino acid(s) of the DRAM2 protein. This variant is not present in population databases (gnomAD no frequency). This variant has not been reported in the literature in individuals affected with DRAM2-related conditions. This variant disrupts a region of the DRAM2 protein in which other variant(s) (p.Leu246Pro) have been determined to be pathogenic (PMID: 32483926, 35806404; internal data). This suggests that this is a clinically significant region of the protein, and that variants that disrupt it are likely to be disease-causing. For these reasons, this variant has been classified as Pathogenic.

Literature cited by the submitters: PubMed 32483926; PubMed 35806404.

NM_001349884.2(DRAM2):c.618del (p.Met206fs)

Gene: DRAM2 (DNA damage regulated autophagy modulator 2; minus strand). Cytogenetic location: 1p13.3.
Variant type: Deletion.
Coding change: c.618del on transcript NM_001349884.2 (MANE Select); coding-DNA position 618, one base deleted (G; older notation c.618delG).
Protein change: p.Met206fs; shifts the reading frame from methionine 206.
Molecular consequence: frameshift variant. On other transcripts: non-coding transcript variant (8).
Genome position (GRCh38, 1-based): chr1:111,118,880, C deleted on the plus strand (G on the coding strand, the reverse complement: DRAM2 is on the minus strand). VCF-style (leftmost placement, unchanged base first): chr1-111118879-TC-T. GRCh37 (hg19) VCF-style: chr1-111661501-TC-T.
Other names: c.618del, p.Met206fs (NM_001349881.2, NM_001349882.2, NM_001349885.2 and 1 more transcripts); c.348del, p.Met116fs (NM_001349886.2, NM_001349887.2, NM_001349888.2); c.228del, p.Met76fs (NM_001349889.2, NM_001349890.2, NM_001349891.2 and 2 more transcripts); short protein forms M206fs, M116fs, M76fs.
Identifiers: ClinVar variation 3693561 (VCV003693561.2).
Genomic context (GRCh38, chr1:111,118,879, plus strand): 5'-TGTAAGTCAGGAAAAAACCAAAGAAGGAAAATGACATAGACCATTCTGCTGCAGTAGTGA[TC>T]ATGTGAAGCACATAACCCTGAGTGATGGGAAAAAAAGAATAGTTTTGTGAAATTTCATTT-3'